The following is an entry in ClinVar:

NM_138387.4(G6PC3):c.500A>G (p.His167Arg)

Gene: G6PC3 (glucose-6-phosphatase catalytic subunit 3; plus strand). Cytogenetic location: 17q21.31.
Variant type: single nucleotide variant.
Coding change: c.500A>G on transcript NM_138387.4 (MANE Select); coding-DNA position 500, A replaced by G.
Protein change: p.His167Arg; replaces histidine 167 with arginine.
Molecular consequence: missense variant. On other transcripts: intron variant (1).
Genome position (GRCh38, 1-based): chr17:44,075,052, A>G. VCF-style: chr17-44075052-A-G. GRCh37 (hg19) VCF-style: chr17-42152420-A-G.
Other names: c.155A>G, p.His52Arg (NM_001384165.1, NM_001384166.1, NM_001384167.1 and 1 more transcripts); c.417-258A>G (NM_001319945.2); short protein forms H167R, H52R.
Identifiers: ClinVar variation 4027575 (VCV004027575.1).

ClinVar aggregate classification (germline): Uncertain significance (1 of 4 stars; one submission).

Conditions:
Inborn genetic diseases. Identifiers: MedGen C0950123, MeSH D030342.

Submission:

Ambry Genetics
Classification: Uncertain significance for Inborn genetic diseases. Last evaluated: 2025-04-05. Review status: criteria provided, single submitter. Criteria: Ambry Variant Classification Scheme 2023. Collection method: clinical testing. Allele origin: germline.
Comment: The p.H167R variant (also known as c.500A>G), located in coding exon 4 of the G6PC3 gene, results from an A to G substitution at nucleotide position 500. The histidine at codon 167 is replaced by arginine, an amino acid with highly similar properties. This amino acid position is conserved. In addition, this alteration is predicted to be deleterious by in silico analysis. Based on the available evidence, the clinical significance of this variant remains unclear.